The following is an entry in ClinVar:

ClinVar aggregate classification (germline): Uncertain significance (1 of 4 stars; one submission).

Submission:

Labcorp Genetics (formerly Invitae), Labcorp
Classification: Uncertain significance. Last evaluated: 2025-03-10. Review status: criteria provided, single submitter. Criteria: Invitae Variant Classification Sherloc (09022015). Collection method: clinical testing. Allele origin: germline.
Comment: This sequence change replaces threonine, which is neutral and polar, with proline, which is neutral and non-polar, at codon 1193 of the SORL1 protein (p.Thr1193Pro). This variant is not present in population databases (gnomAD no frequency). This variant has not been reported in the literature in individuals affected with SORL1-related conditions. ClinVar contains an entry for this variant (Variation ID: 2995943). An algorithm developed to predict the effect of missense changes on protein structure and function (PolyPhen-2) suggests that this variant is likely to be disruptive. In summary, the available evidence is currently insufficient to determine the role of this variant in disease. Therefore, it has been classified as a Variant of Uncertain Significance.

NM_003105.6(SORL1):c.3577A>C (p.Thr1193Pro)

Gene: SORL1 (sortilin related receptor 1; plus strand). Cytogenetic location: 11q24.1.
Variant type: single nucleotide variant.
Coding change: c.3577A>C on transcript NM_003105.6 (MANE Select); coding-DNA position 3577, A replaced by C.
Protein change: p.Thr1193Pro; replaces threonine 1193 with proline.
Molecular consequence: missense variant.
Genome position (GRCh38, 1-based): chr11:121,577,397, A>C. VCF-style: chr11-121577397-A-C. GRCh37 (hg19) VCF-style: chr11-121448106-A-C.
Other names: short protein forms T1193P.
Identifiers: ClinVar variation 2995943 (VCV002995943.3), dbSNP rs2496927853, ClinGen allele CA383025026.
Genomic context (GRCh38, chr11:121,577,397, plus strand): 5'-TCCTCCTGGGTATGTGACGGGGACAACGACTGCAGGGACTGGTCTGATGAAGCCAACTGT[A>C]CCGGTCAGTACTTCCTGGACTCAGTTGACAGCACTCATCCGTTCATGCAGTGGTTAACAT-3'
Protein context (NP_003096.2, residues 1183-1203): CRDWSDEANC[Thr1193Pro]AIYHTCEASN